The following is an entry in ClinVar:

NM_001142800.2(EYS):c.5945G>A (p.Cys1982Tyr)

Gene: EYS (EGF-like photoreceptor maintenance factor; minus strand). Cytogenetic location: 6q12.
Variant type: single nucleotide variant.
Coding change: c.5945G>A on transcript NM_001142800.2 (MANE Select); coding-DNA position 5945, G replaced by A.
Protein change: p.Cys1982Tyr; replaces cysteine 1982 with tyrosine.
Molecular consequence: missense variant.
Genome position (GRCh38, 1-based): chr6:64,388,823, C>T on the plus strand (G>A on the coding strand, the complement: EYS is on the minus strand). VCF-style: chr6-64388823-C-T. GRCh37 (hg19) VCF-style: chr6-65098716-C-T.
Other names: c.5945G>A, p.Cys1982Tyr (NM_001292009.2); short protein forms C1982Y.
Identifiers: ClinVar variation 3707308 (VCV003707308.2).
Genomic context (GRCh38, chr6:64,388,823, plus strand): 5'-ACATGATTGATAGATTCGCATATTTGTGTATTCCTCCCTAAAATAGTCAGCTCAGCGTTA[C>T]ATGGATCCAATTCTTGCCTGTAACCATTTAAGAAAGAAATGGTTTTAGTATAAGTCATAT-3'
Protein context (NP_001136272.1, residues 1972-1992): TLLIRQELDP[Cys1982Tyr]NAELTILGRN

ClinVar aggregate classification (germline): Uncertain significance (1 of 4 stars; one submission).

Submission:

Labcorp Genetics (formerly Invitae), Labcorp
Classification: Uncertain significance. Last evaluated: 2025-09-02. Review status: criteria provided, single submitter. Criteria: Invitae Variant Classification Sherloc (09022015). Collection method: clinical testing. Allele origin: germline.
Comment: This sequence change replaces cysteine, which is neutral and slightly polar, with tyrosine, which is neutral and polar, at codon 1982 of the EYS protein (p.Cys1982Tyr). This variant is not present in population databases (gnomAD no frequency). This variant has not been reported in the literature in individuals affected with EYS-related conditions. ClinVar contains an entry for this variant (Variation ID: 3707308). An algorithm developed to predict the effect of missense changes on protein structure and function outputs the following: PolyPhen-2: "Probably Damaging". The tyrosine amino acid residue is found in multiple mammalian species, which suggests that this missense change does not adversely affect protein function. In summary, the available evidence is currently insufficient to determine the role of this variant in disease. Therefore, it has been classified as a Variant of Uncertain Significance.